The following is an entry in ClinVar:

ClinVar aggregate classification (germline): Uncertain significance (1 of 4 stars; one submission).

Conditions:
Peroxisome biogenesis disorder 3A (Zellweger). Also called: PEROXISOMAL BIOGENESIS DISORDER 3A (ZELLWEGER); Peroxisome biogenesis disorder 3A. Identifiers: Orphanet 912, MedGen C3553929, MONDO:0013927, OMIM 614859.

Allele frequency attached by ClinVar (database versions not stated): gnomAD exomes below 0.00001 and 0.00001; gnomAD 0.00002; TOPMed 0.00004; ESP Exome Variant Server 0.00008.

Submission:

Labcorp Genetics (formerly Invitae), Labcorp
Classification: Uncertain significance for Peroxisome biogenesis disorder 3A (Zellweger). Last evaluated: 2022-07-05. Review status: criteria provided, single submitter. Criteria: Invitae Variant Classification Sherloc (09022015). Collection method: clinical testing. Allele origin: germline.
Comment: This sequence change replaces glutamine, which is neutral and polar, with arginine, which is basic and polar, at codon 112 of the PEX12 protein (p.Gln112Arg). This variant is present in population databases (rs376279395, gnomAD 0.01%). This variant has not been reported in the literature in individuals affected with PEX12-related conditions. ClinVar contains an entry for this variant (Variation ID: 837213). Algorithms developed to predict the effect of missense changes on protein structure and function (SIFT, PolyPhen-2, Align-GVGD) all suggest that this variant is likely to be tolerated. In summary, the available evidence is currently insufficient to determine the role of this variant in disease. Therefore, it has been classified as a Variant of Uncertain Significance.

NM_000286.3(PEX12):c.335A>G (p.Gln112Arg)

Gene: PEX12 (peroxisomal biogenesis factor 12; minus strand). Cytogenetic location: 17q12.
Variant type: single nucleotide variant.
Coding change: c.335A>G on transcript NM_000286.3 (MANE Select); coding-DNA position 335, A replaced by G.
Protein change: p.Gln112Arg; replaces glutamine 112 with arginine.
Molecular consequence: missense variant.
Genome position (GRCh38, 1-based): chr17:35,577,383, T>C on the plus strand (A>G on the coding strand, the complement: PEX12 is on the minus strand). VCF-style: chr17-35577383-T-C. GRCh37 (hg19) VCF-style: chr17-33904402-T-C.
Other names: short protein forms Q112R.
Identifiers: ClinVar variation 837213 (VCV000837213.7), dbSNP rs376279395, ClinGen allele CA290069570.